The following is an entry in ClinVar:

NM_001139.3(ALOX12B):c.735C>T (p.Gly245=)

Gene: ALOX12B (arachidonate 12-lipoxygenase, 12R type; minus strand). Cytogenetic location: 17p13.1.
Variant type: single nucleotide variant.
Coding change: c.735C>T on transcript NM_001139.3 (MANE Select); coding-DNA position 735, C replaced by T.
Protein change: p.Gly245=; no amino-acid change (glycine 245 retained).
Molecular consequence: synonymous variant.
Genome position (GRCh38, 1-based): chr17:8,080,254, G>A on the plus strand (C>T on the coding strand, the complement: ALOX12B is on the minus strand). VCF-style: chr17-8080254-G-A. GRCh37 (hg19) VCF-style: chr17-7983572-G-A.
Identifiers: ClinVar variation 2862320 (VCV002862320.3), dbSNP rs2507699002, ClinGen allele CA497762001.

ClinVar aggregate classification (germline): Uncertain significance (1 of 4 stars; one submission).

Submission:

Labcorp Genetics (formerly Invitae), Labcorp
Classification: Uncertain significance. Last evaluated: 2023-09-07. Review status: criteria provided, single submitter. Criteria: Invitae Variant Classification Sherloc (09022015). Collection method: clinical testing. Allele origin: germline.
Comment: In summary, the available evidence is currently insufficient to determine the role of this variant in disease. Therefore, it has been classified as a Variant of Uncertain Significance. Algorithms developed to predict the effect of sequence changes on RNA splicing suggest that this variant may disrupt the consensus splice site. This variant has been observed in individual(s) with clinical features of congenital ichthyosis (Invitae). In at least one individual the data is consistent with being in trans (on the opposite chromosome) from a pathogenic variant. This variant is not present in population databases (gnomAD no frequency). This sequence change affects codon 245 of the ALOX12B mRNA. It is a 'silent' change, meaning that it does not change the encoded amino acid sequence of the ALOX12B protein.